The following is an entry in ClinVar:

ClinVar aggregate classification (germline): Uncertain significance. Review status: criteria provided, multiple submitters, no conflicts (2 of 4 stars). 2 submissions from 2 submitters: Uncertain significance (2). Last evaluated 2025-04-28.

Conditions:
ALG6-congenital disorder of glycosylation 1C (CDG1C). Also called: CDG Ic; CARBOHYDRATE-DEFICIENT GLYCOPROTEIN SYNDROME, TYPE I, WITH DEFICIENT GLYCOSYLATION OF DOLICHOL-LINKED OLIGOSACCHARIDE; CARBOHYDRATE-DEFICIENT GLYCOPROTEIN SYNDROME, TYPE V; Congenital disorder of glycosylation type 1C; Congenital disorder of glycosylation, type Ic. Identifiers: Orphanet 79320, MedGen C2930997, MONDO:0011291, OMIM 603147.

Allele frequency attached by ClinVar (database versions not stated): gnomAD exomes 0.00001; TOPMed 0.00001; ExAC 0.00004; gnomAD 0.00004; 1000 Genomes Project 30x 0.00062; 1000 Genomes Project 0.00080.
gnomAD v4.1: 15 of 1,613,366 alleles (0.00093%); highest among the groups gnomAD compares: East Asian, 0.031%; no homozygotes.

Submissions (2):

ARUP Laboratories, Molecular Genetics and Genomics, ARUP Laboratories
Classification: Uncertain significance for ALG6-congenital disorder of glycosylation 1C. Last evaluated: 2025-04-28. Review status: criteria provided, single submitter. Criteria: ARUP Molecular Germline Variant Investigation Process 2024. Collection method: clinical testing. Allele origin: germline.

Labcorp Genetics (formerly Invitae), Labcorp
Classification: Uncertain significance for ALG6-congenital disorder of glycosylation 1C. Last evaluated: 2022-08-10. Review status: criteria provided, single submitter. Criteria: Invitae Variant Classification Sherloc (09022015). Collection method: clinical testing. Allele origin: germline.
Comment: This sequence change replaces serine, which is neutral and polar, with asparagine, which is neutral and polar, at codon 499 of the ALG6 protein (p.Ser499Asn). This variant is present in population databases (rs201811893, gnomAD 0.05%). This variant has not been reported in the literature in individuals affected with ALG6-related conditions. Algorithms developed to predict the effect of missense changes on protein structure and function output the following: SIFT: "Tolerated"; PolyPhen-2: "Benign"; Align-GVGD: "Class C0". The asparagine amino acid residue is found in multiple mammalian species, which suggests that this missense change does not adversely affect protein function. In summary, the available evidence is currently insufficient to determine the role of this variant in disease. Therefore, it has been classified as a Variant of Uncertain Significance.

NM_013339.4(ALG6):c.1496G>A (p.Ser499Asn)

Gene: ALG6 (ALG6 alpha-1,3-glucosyltransferase; plus strand). Cytogenetic location: 1p31.3.
Variant type: single nucleotide variant.
Coding change: c.1496G>A on transcript NM_013339.4 (MANE Select); coding-DNA position 1496, G replaced by A.
Protein change: p.Ser499Asn; replaces serine 499 with asparagine.
Molecular consequence: missense variant.
Genome position (GRCh38, 1-based): chr1:63,436,992, G>A. VCF-style: chr1-63436992-G-A. GRCh37 (hg19) VCF-style: chr1-63902663-G-A.
Other names: short protein forms S499N.
Identifiers: ClinVar variation 2078256 (VCV002078256.2), dbSNP rs201811893, ClinGen allele CA888458.